The following is an entry in ClinVar:

NM_000435.3(NOTCH3):c.6885_6888del (p.Val2296fs)

Gene: NOTCH3 (notch receptor 3; minus strand). Cytogenetic location: 19p13.12.
Variant type: Deletion.
Coding change: c.6885_6888del on transcript NM_000435.3 (MANE Select); coding-DNA positions 6885 to 6888, 4 bases deleted (TGTT; older notation c.6885_6888delTGTT).
Protein change: p.Val2296fs; shifts the reading frame from valine 2296.
Molecular consequence: frameshift variant.
Genome position (GRCh38, 1-based): chr19:15,160,740-15,160,743, AACA deleted on the plus strand (TGTT on the coding strand, the reverse complement: NOTCH3 is on the minus strand). VCF-style (leftmost placement, unchanged base first): chr19-15160739-GAACA-G. GRCh37 (hg19) VCF-style: chr19-15271550-GAACA-G.
Other names: short protein forms V2296fs.
Identifiers: ClinVar variation 3364160 (VCV003364160.1).

ClinVar aggregate classification (germline): Uncertain significance (1 of 4 stars; one submission).

Submission:

GeneDx
Classification: Uncertain significance. Last evaluated: 2023-11-15. Review status: criteria provided, single submitter. Criteria: GeneDx Variant Classification Process June 2021. Collection method: clinical testing. Allele origin: germline. Affected: yes.
Comment: Has not been previously published as pathogenic or benign to our knowledge; Not observed at significant frequency in large population cohorts (gnomAD); Frameshift variant predicted to result in abnormal protein length as the last 26 amino acids are replaced with 31 different amino acids